The following is an entry in ClinVar:

ClinVar aggregate classification (germline): Likely benign (1 of 4 stars; one submission).

Allele frequency attached by ClinVar (database versions not stated): TOPMed 0.00002; ExAC 0.00004; gnomAD 0.00005; gnomAD exomes 0.00013; ESP Exome Variant Server 0.00015.
gnomAD v4.1: 196 of 1,614,152 alleles (0.012%); highest among the groups gnomAD compares: Middle Eastern, 0.049%; no homozygotes.

Submission:

CeGaT Center for Human Genetics Tuebingen
Classification: Likely benign. Last evaluated: 2022-08-01. Review status: criteria provided, single submitter. Criteria: CeGaT Center For Human Genetics Tuebingen Variant Classification Criteria Version 2. Collection method: clinical testing. Allele origin: germline. Affected: yes. Observed: 1 variant allele.
Comment: TEX15: BP4, BP7

NM_001350162.2(TEX15):c.9324C>T (p.Gly3108=)

Gene: TEX15 (testis expressed 15, meiosis and synapsis associated; minus strand). Cytogenetic location: 8p12.
Variant type: single nucleotide variant.
Coding change: c.9324C>T on transcript NM_001350162.2 (MANE Select); coding-DNA position 9324, C replaced by T.
Protein change: p.Gly3108=; no amino-acid change (glycine 3108 retained).
Molecular consequence: synonymous variant.
Genome position (GRCh38, 1-based): chr8:30,836,960, G>A on the plus strand (C>T on the coding strand, the complement: TEX15 is on the minus strand). VCF-style: chr8-30836960-G-A. GRCh37 (hg19) VCF-style: chr8-30694476-G-A.
Other names: c.8175C>T, p.Gly2725= (NM_031271.3).
Identifiers: ClinVar variation 2658519 (VCV002658519.24), dbSNP rs148081052, ClinGen allele CA4702149.